The following is an entry in ClinVar:

NM_000612.6(IGF2):c.298G>A (p.Val100Met)

Genes: IGF2 (insulin like growth factor 2; minus strand), INS-IGF2 (INS-IGF2 readthrough; minus strand). Cytogenetic location: 11p15.5.
Variant type: single nucleotide variant.
Coding change: c.298G>A on transcript NM_000612.6 (MANE Select); coding-DNA position 298, G replaced by A.
Protein change: p.Val100Met; replaces valine 100 with methionine.
Molecular consequence: missense variant. On other transcripts: non-coding transcript variant (1).
Genome position (GRCh38, 1-based): chr11:2,133,525, C>T on the plus strand (G>A on the coding strand, the complement: IGF2 is on the minus strand). VCF-style: chr11-2133525-C-T. GRCh37 (hg19) VCF-style: chr11-2154755-C-T.
Other names: c.298G>A, p.Val100Met (NM_001007139.6, NM_001291861.3, NM_001291862.3); c.466G>A, p.Val156Met (NM_001127598.3); short protein forms V100M, V156M.
Identifiers: ClinVar variation 3347794 (VCV003347794.1).
Genomic context (GRCh38, chr11:2,133,525, plus strand): 5'-AAGCCCTATTTCTCTGTCTCTAGAGAGTGGGAAAGGGGCCCAGGACCCTCACCGGAAGCA[C>T]GGTCGGAGGGGTCGACACGTCCCTCTCGGACTTGGCGGGGGTAGCACAGTACGTCTCCAG-3'
Protein context (NP_000603.1, residues 90-110): SERDVSTPPT[Val100Met]LPDNFPRYPV

ClinVar aggregate classification (germline): Uncertain significance (0 of 4 stars; one submission).

Conditions:
IGF2-related disorder. Also called: IGF2-related condition.

gnomAD v4.1: 1 of 1,611,166 alleles (0.000062%); highest among the groups gnomAD compares: Non-Finnish European, 0.000085%; no homozygotes.

Submission:

PreventionGenetics, part of Exact Sciences
Classification: Uncertain significance for IGF2-related condition. Last evaluated: 2024-04-04. Review status: no assertion criteria provided. Collection method: clinical testing. Allele origin: germline.
Comment: The IGF2 c.298G>A variant is predicted to result in the amino acid substitution p.Val100Met. To our knowledge, this variant has not been reported in the literature or in a large population database, indicating this variant is rare. At this time, the clinical significance of this variant is uncertain due to the absence of conclusive functional and genetic evidence.